The following is an entry in ClinVar:

ClinVar aggregate classification (germline): Uncertain significance (1 of 4 stars; one submission).

Conditions:
Familial isolated arrhythmogenic right ventricular dysplasia. Identifiers: Orphanet 217656, MedGen C4274968, MONDO:0016342.

Submission:

All of Us Research Program, National Institutes of Health
Classification: Uncertain significance for Familial isolated arrhythmogenic right ventricular dysplasia. Last evaluated: 2022-12-07. Review status: criteria provided, single submitter. Criteria: ACMG Guidelines, 2015. Collection method: clinical testing. Allele origin: germline. Inheritance: Autosomal dominant inheritance. Observed: 1 variant allele, 1 heterozygote.
Comment: This missense variant replaces aspartic acid with tyrosine at codon 382 of the DSC2 protein. Computational prediction suggests that this variant may have deleterious impact on protein structure and function (internally defined REVEL score threshold >= 0.7, PMID: 27666373). To our knowledge, functional studies have not been reported for this variant. This variant has not been reported in individuals affected with cardiovascular disorders in the literature. This variant has not been identified in the general population by the Genome Aggregation Database (gnomAD). The available evidence is insufficient to determine the role of this variant in disease conclusively. Therefore, this variant is classified as a Variant of Uncertain Significance.

This study involves interpretation of variants in research participants for the purpose of population health screening. Participant phenotype was not available at the time of variant classification. Additional details can be found in publication PMID: 35346344, PMCID: PMC8962531

NM_024422.6(DSC2):c.1144G>T (p.Asp382Tyr)

Gene: DSC2 (desmocollin 2; minus strand). Cytogenetic location: 18q12.1.
Variant type: single nucleotide variant.
Coding change: c.1144G>T on transcript NM_024422.6 (MANE Select); coding-DNA position 1144, G replaced by T.
Protein change: p.Asp382Tyr; replaces aspartic acid 382 with tyrosine.
Molecular consequence: missense variant.
Genome position (GRCh38, 1-based): chr18:31,082,357, C>A on the plus strand (G>T on the coding strand, the complement: DSC2 is on the minus strand). VCF-style: chr18-31082357-C-A. GRCh37 (hg19) VCF-style: chr18-28662323-C-A.
Other names: c.715G>T, p.Asp239Tyr (NM_001406506.1, NM_001406507.1); c.1144G>T, p.Asp382Tyr (NM_004949.5); short protein forms D239Y, D382Y.
Identifiers: ClinVar variation 3069243 (VCV003069243.1), dbSNP rs2510948372, ClinGen allele CA402109815.
Genomic context (GRCh38, chr18:31,082,357, plus strand): 5'-CATTTTCATTGCCCTTTAAAATGGTATAATTAGCTCTCCAGTTAGCAGTATTCACTAAGT[C>A]CTTATCCTCAACAGTAACTCGTAAGATTTCCACATCAACTGTATTTTCTTCCACTGATGT-3'
Protein context (NP_077740.1, residues 372-392): EILRVTVEDK[Asp382Tyr]LVNTANWRAN